The following is an entry in ClinVar:

ClinVar aggregate classification (germline): Uncertain significance (1 of 4 stars; one submission).

Conditions:
Progressive familial heart block type IB (PFHB1B). Identifiers: Orphanet 871, MedGen C1970298, MONDO:0011474, OMIM 604559.

Allele frequency attached by ClinVar (database versions not stated): gnomAD exomes below 0.00001 and 0.00001; gnomAD 0.00001; TOPMed 0.00002.
gnomAD v4.1: 8 of 1,613,920 alleles (0.0005%); highest among the groups gnomAD compares: South Asian, 0.0044%; no homozygotes.

Submission:

Labcorp Genetics (formerly Invitae), Labcorp
Classification: Uncertain significance for Progressive familial heart block type IB. Last evaluated: 2025-03-30. Review status: criteria provided, single submitter. Criteria: Invitae Variant Classification Sherloc (09022015). Collection method: clinical testing. Allele origin: germline.
Comment: This sequence change affects codon 903 of the TRPM4 mRNA. It is a 'silent' change, meaning that it does not change the encoded amino acid sequence of the TRPM4 protein. This variant is present in population databases (no rsID available, gnomAD 0.003%). This variant has not been reported in the literature in individuals affected with TRPM4-related conditions. ClinVar contains an entry for this variant (Variation ID: 850277). Algorithms developed to predict the effect of sequence changes on RNA splicing suggest that this variant may create or strengthen a splice site. In summary, the available evidence is currently insufficient to determine the role of this variant in disease. Therefore, it has been classified as a Variant of Uncertain Significance.

NM_017636.4(TRPM4):c.2709G>A (p.Thr903=)

Gene: TRPM4 (transient receptor potential cation channel subfamily M member 4; plus strand). Cytogenetic location: 19q13.33.
Variant type: single nucleotide variant.
Coding change: c.2709G>A on transcript NM_017636.4 (MANE Select); coding-DNA position 2709, G replaced by A.
Protein change: p.Thr903=; no amino-acid change (threonine 903 retained).
Molecular consequence: synonymous variant.
Genome position (GRCh38, 1-based): chr19:49,200,363, G>A. VCF-style: chr19-49200363-G-A. GRCh37 (hg19) VCF-style: chr19-49703620-G-A.
Other names: c.2274G>A, p.Thr758= (NM_001195227.2); c.2364G>A, p.Thr788= (NM_001321281.2); c.1101G>A, p.Thr367= (NM_001321282.2); c.2187G>A, p.Thr729= (NM_001321283.2); c.1647G>A, p.Thr549= (NM_001321285.2).
Identifiers: ClinVar variation 850277 (VCV000850277.9), dbSNP rs1378061801, ClinGen allele CA508103731.